The following is an entry in ClinVar:

NM_000051.4(ATM):c.7334T>A (p.Leu2445Gln)

Genes: ATM (ATM serine/threonine kinase; plus strand), C11orf65 (chromosome 11 open reading frame 65; minus strand). Cytogenetic location: 11q22.3.
Variant type: single nucleotide variant.
Coding change: c.7334T>A on transcript NM_000051.4 (MANE Select); coding-DNA position 7334, T replaced by A.
Protein change: p.Leu2445Gln; replaces leucine 2445 with glutamine.
Molecular consequence: missense variant. On other transcripts: intron variant (2).
Genome position (GRCh38, 1-based): chr11:108,330,240, T>A. VCF-style: chr11-108330240-T-A. GRCh37 (hg19) VCF-style: chr11-108200967-T-A.
Other names: c.7334T>A, p.Leu2445Gln (NM_001351834.2); c.641-21169A>T (NM_001330368.2); c.*38+4980A>T (NM_001351110.2); short protein forms L2445Q.
Identifiers: ClinVar variation 479038 (VCV000479038.15), dbSNP rs1555122992, ClinGen allele CA382559906.

ClinVar aggregate classification (germline): Uncertain significance. Review status: criteria provided, multiple submitters, no conflicts (2 of 4 stars). 3 submissions from 3 submitters: Uncertain significance (3). Last evaluated 2025-04-14.

Conditions:
Hereditary cancer-predisposing syndrome. Also called: Neoplastic Syndromes, Hereditary; Hereditary Cancer Syndrome; Tumor predisposition; Hereditary neoplastic syndrome. Identifiers: Orphanet 140162, MedGen C0027672, MeSH D009386, MONDO:0015356.
Familial cancer of breast. Also called: Hereditary breast cancer; BREAST CANCER, FAMILIAL; hereditary breast carcinoma. Identifiers: Orphanet 227535, MedGen C0346153, MONDO:0016419, OMIM 114480. Disease mechanism: loss of function.
Ataxia-telangiectasia syndrome (AT). Also called: LOUIS-BAR SYNDROME; Cerebello-oculocutaneous telangiectasia; Immunodeficiency with ataxia telangiectasia; Ataxia-telangiectasia, complementation group D; AT, COMPLEMENTATION GROUP C; Ataxia-telangiectasia, complementation group E. Identifiers: Orphanet 100, MedGen C0004135, MONDO:0008840, OMIM 208900.

Allele frequency attached by ClinVar (database versions not stated): gnomAD exomes below 0.00001; TOPMed below 0.00001.
gnomAD v4.1: 1 of 1,614,174 alleles (0.000062%); highest among the groups gnomAD compares: Non-Finnish European, 0.000085%; no homozygotes.

Submissions (3):

Labcorp Genetics (formerly Invitae), Labcorp
Classification: Uncertain significance for Ataxia-telangiectasia syndrome. Last evaluated: 2025-04-14. Review status: criteria provided, single submitter. Criteria: Invitae Variant Classification Sherloc (09022015). Collection method: clinical testing. Allele origin: germline.
Comment: This sequence change replaces leucine, which is neutral and non-polar, with glutamine, which is neutral and polar, at codon 2445 of the ATM protein (p.Leu2445Gln). This variant is not present in population databases (gnomAD no frequency). This variant has not been reported in the literature in individuals affected with ATM-related conditions. ClinVar contains an entry for this variant (Variation ID: 479038). Invitae Evidence Modeling of protein sequence and biophysical properties (such as structural, functional, and spatial information, amino acid conservation, physicochemical variation, residue mobility, and thermodynamic stability) indicates that this missense variant is not expected to disrupt ATM protein function with a negative predictive value of 95%. In summary, the available evidence is currently insufficient to determine the role of this variant in disease. Therefore, it has been classified as a Variant of Uncertain Significance.

Baylor Genetics
Classification: Uncertain significance for Familial cancer of breast. Last evaluated: 2023-11-14. Review status: criteria provided, single submitter. Criteria: ACMG Guidelines, 2015. Collection method: clinical testing. Allele origin: unknown.

Ambry Genetics
Classification: Uncertain significance for Hereditary cancer-predisposing syndrome. Last evaluated: 2023-09-02. Review status: criteria provided, single submitter. Criteria: Ambry Variant Classification Scheme 2023. Collection method: clinical testing. Allele origin: germline.
Comment: The p.L2445Q variant (also known as c.7334T>A), located in coding exon 49 of the ATM gene, results from a T to A substitution at nucleotide position 7334. The leucine at codon 2445 is replaced by glutamine, an amino acid with dissimilar properties. This amino acid position is highly conserved in available vertebrate species. In addition, this alteration is predicted to be deleterious by in silico analysis. Since supporting evidence is limited at this time, the clinical significance of this alteration remains unclear.